The following is an entry in ClinVar:

ClinVar aggregate classification (germline): Uncertain significance. Review status: criteria provided, multiple submitters, no conflicts (2 of 4 stars). 2 submissions from 2 submitters: Uncertain significance (2). Last evaluated 2025-11-12.

Allele frequency attached by ClinVar (database versions not stated): gnomAD 0.00009; TOPMed 0.00011; gnomAD exomes 0.00012; ESP Exome Variant Server 0.00015; ExAC 0.00018; 1000 Genomes Project 30x 0.00031; 1000 Genomes Project 0.00040.
gnomAD v4.1: 197 of 1,612,526 alleles (0.012%); highest among the groups gnomAD compares: East Asian, 0.15%; 1 homozygote.

Submissions (2):

Labcorp Genetics (formerly Invitae), Labcorp
Classification: Uncertain significance. Last evaluated: 2025-11-12. Review status: criteria provided, single submitter. Criteria: Invitae Variant Classification Sherloc (09022015). Collection method: clinical testing. Allele origin: germline.
Comment: This sequence change replaces arginine, which is basic and polar, with histidine, which is basic and polar, at codon 1021 of the GUCY2C protein (p.Arg1021His). This variant is present in population databases (rs118078831, gnomAD 0.03%). This variant has not been reported in the literature in individuals affected with GUCY2C-related conditions. ClinVar contains an entry for this variant (Variation ID: 2073348). An algorithm developed to predict the effect of missense changes on protein structure and function outputs the following: PolyPhen-2: "Benign". The histidine amino acid residue is found in multiple mammalian species, which suggests that this missense change does not adversely affect protein function. In summary, the available evidence is currently insufficient to determine the role of this variant in disease. Therefore, it has been classified as a Variant of Uncertain Significance.

Breakthrough Genomics
Classification: Uncertain significance. Review status: criteria provided, single submitter. Criteria: ACMG Guidelines, 2015. Collection method: not provided. Allele origin: germline. Inheritance: Autosomal recessive inheritance. Affected: yes.

NM_004963.4(GUCY2C):c.3062G>A (p.Arg1021His)

Genes: GUCY2C (guanylate cyclase 2C; minus strand), PLBD1-AS1 (PLBD1 antisense RNA 1; plus strand). Cytogenetic location: 12p12.3.
Variant type: single nucleotide variant.
Coding change: c.3062G>A on transcript NM_004963.4 (MANE Select); coding-DNA position 3062, G replaced by A.
Protein change: p.Arg1021His; replaces arginine 1021 with histidine.
Molecular consequence: missense variant.
Genome position (GRCh38, 1-based): chr12:14,613,277, C>T on the plus strand (G>A on the coding strand, the complement: GUCY2C is on the minus strand). VCF-style: chr12-14613277-C-T. GRCh37 (hg19) VCF-style: chr12-14766211-C-T.
Other names: short protein forms R1021H.
Identifiers: ClinVar variation 2073348 (VCV002073348.5), dbSNP rs118078831, ClinGen allele CA6462878.